The following is an entry in ClinVar:

NM_006767.4(LZTR1):c.1780C>G (p.Leu594Val)

Gene: LZTR1 (leucine zipper like post translational regulator 1; plus strand). Cytogenetic location: 22q11.21.
Variant type: single nucleotide variant.
Coding change: c.1780C>G on transcript NM_006767.4 (MANE Select); coding-DNA position 1780, C replaced by G.
Protein change: p.Leu594Val; replaces leucine 594 with valine.
Molecular consequence: missense variant.
Genome position (GRCh38, 1-based): chr22:20,994,722, C>G. VCF-style: chr22-20994722-C-G. GRCh37 (hg19) VCF-style: chr22-21349011-C-G.
Other names: short protein forms L594V.
Identifiers: ClinVar variation 3238129 (VCV003238129.3), dbSNP rs1383509012.
Genomic context (GRCh38, chr22:20,994,722, plus strand): 5'-GTGGACCTGCAGAACGTGCTGGTTGTGTGCGAGAGTGCCGCCCGGCTGCAGCTGAGCCAA[C>G]TCAAGGTGTGGGGTGGGGTCAGCGCAATCAGGGTTGGGTGGGGTGTGCTCAGGCTTAGGC-3'
Protein context (NP_006758.2, residues 584-604): ESAARLQLSQ[Leu594Val]KEHCLNFVVK

ClinVar aggregate classification (germline): Uncertain significance. Review status: criteria provided, multiple submitters, no conflicts (2 of 4 stars). 2 submissions from 2 submitters: Uncertain significance (2). Last evaluated 2024-05-15.

Conditions:
Hereditary cancer-predisposing syndrome. Also called: Neoplastic Syndromes, Hereditary; Tumor predisposition; Hereditary neoplastic syndrome; Hereditary Cancer Syndrome. Identifiers: Orphanet 140162, MedGen C0027672, MeSH D009386, MONDO:0015356.
Cardiovascular phenotype. Identifiers: MedGen CN230736.

Submissions (2):

Labcorp Genetics (formerly Invitae), Labcorp
Classification: Uncertain significance. Last evaluated: 2024-05-15. Review status: criteria provided, single submitter. Criteria: Invitae Variant Classification Sherloc (09022015). Collection method: clinical testing. Allele origin: germline.
Comment: This sequence change replaces leucine, which is neutral and non-polar, with valine, which is neutral and non-polar, at codon 594 of the LZTR1 protein (p.Leu594Val). This variant is not present in population databases (gnomAD no frequency). This variant has not been reported in the literature in individuals affected with LZTR1-related conditions. Advanced modeling of protein sequence and biophysical properties (such as structural, functional, and spatial information, amino acid conservation, physicochemical variation, residue mobility, and thermodynamic stability) performed at Invitae indicates that this missense variant is not expected to disrupt LZTR1 protein function with a negative predictive value of 80%. In summary, the available evidence is currently insufficient to determine the role of this variant in disease. Therefore, it has been classified as a Variant of Uncertain Significance.

Ambry Genetics
Classification: Uncertain significance for Cardiovascular phenotype; Hereditary cancer-predisposing syndrome. Last evaluated: 2023-08-28. Review status: criteria provided, single submitter. Criteria: Ambry Variant Classification Scheme 2023. Collection method: clinical testing. Allele origin: germline.
Comment: The p.L594V variant (also known as c.1780C>G), located in coding exon 15 of the LZTR1 gene, results from a C to G substitution at nucleotide position 1780. The leucine at codon 594 is replaced by valine, an amino acid with highly similar properties. This amino acid position is conserved. In addition, the in silico prediction for this alteration is inconclusive. Since supporting evidence is limited at this time, the clinical significance of this alteration remains unclear.